The following is an entry in ClinVar:

NM_024757.5(EHMT1):c.2963C>T (p.Ala988Val)

Gene: EHMT1 (euchromatic histone lysine methyltransferase 1; plus strand). Cytogenetic location: 9q34.3.
Variant type: single nucleotide variant.
Coding change: c.2963C>T on transcript NM_024757.5 (MANE Select); coding-DNA position 2963, C replaced by T.
Protein change: p.Ala988Val; replaces alanine 988 with valine.
Molecular consequence: missense variant.
Genome position (GRCh38, 1-based): chr9:137,813,101, C>T. VCF-style: chr9-137813101-C-T. GRCh37 (hg19) VCF-style: chr9-140707553-C-T.
Other names: c.2942C>T, p.Ala981Val (NM_001354263.2); short protein forms A988V, A981V.
Identifiers: ClinVar variation 462990 (VCV000462990.10), dbSNP rs1554896118, ClinGen allele CA375793538.

ClinVar aggregate classification (germline): Uncertain significance (1 of 4 stars; one submission).

Conditions:
Kleefstra syndrome 1 (KLEFS1). Identifiers: Orphanet 261494, MedGen C0795833, MONDO:0027407, OMIM 610253.

Submission:

Labcorp Genetics (formerly Invitae), Labcorp
Classification: Uncertain significance for Kleefstra syndrome 1. Last evaluated: 2018-10-20. Review status: criteria provided, single submitter. Criteria: Invitae Variant Classification Sherloc (09022015). Collection method: clinical testing. Allele origin: germline.
Comment: In summary, this variant has uncertain impact on EHMT1 function. The available evidence is currently insufficient to determine its role in disease. Therefore, it has been classified as a Variant of Uncertain Significance. Algorithms developed to predict the effect of missense changes on protein structure and function do not agree on the potential impact of this missense change (SIFT: "Tolerated"; PolyPhen-2: "Probably Damaging"; Align-GVGD: "Class C0"). This variant has not been reported in the literature in individuals with a EHMT1-related disease. This variant is not present in population databases (ExAC no frequency). This sequence change replaces alanine with valine at codon 988 of the EHMT1 protein (p.Ala988Val). The alanine residue is highly conserved and there is a small physicochemical difference between alanine and valine.